The following is an entry in ClinVar:

ClinVar aggregate classification (germline): Uncertain significance (1 of 4 stars; one submission).

Conditions:
Autosomal dominant polycystic kidney disease. Identifiers: Orphanet 730, MedGen C0085413, MONDO:0004691.

Submission:

Labcorp Genetics (formerly Invitae), Labcorp
Classification: Uncertain significance for Autosomal dominant polycystic kidney disease. Last evaluated: 2023-07-26. Review status: criteria provided, single submitter. Criteria: Invitae Variant Classification Sherloc (09022015). Collection method: clinical testing. Allele origin: germline.
Comment: In summary, the available evidence is currently insufficient to determine the role of this variant in disease. Therefore, it has been classified as a Variant of Uncertain Significance. This sequence change replaces serine, which is neutral and polar, with threonine, which is neutral and polar, at codon 286 of the PKD2 protein (p.Ser286Thr). This variant is not present in population databases (gnomAD no frequency). This variant has not been reported in the literature in individuals affected with PKD2-related conditions. Advanced modeling of protein sequence and biophysical properties (such as structural, functional, and spatial information, amino acid conservation, physicochemical variation, residue mobility, and thermodynamic stability) performed at Invitae indicates that this missense variant is not expected to disrupt PKD2 protein function.

NM_000297.4(PKD2):c.856T>A (p.Ser286Thr)

Gene: PKD2 (polycystin 2, transient receptor potential cation channel; plus strand). Cytogenetic location: 4q22.1.
Variant type: single nucleotide variant.
Coding change: c.856T>A on transcript NM_000297.4 (MANE Select); coding-DNA position 856, T replaced by A.
Protein change: p.Ser286Thr; replaces serine 286 with threonine.
Molecular consequence: missense variant. On other transcripts: non-coding transcript variant (1).
Genome position (GRCh38, 1-based): chr4:88,038,263, T>A. VCF-style: chr4-88038263-T-A. GRCh37 (hg19) VCF-style: chr4-88959415-T-A.
Other names: short protein forms S286T.
Identifiers: ClinVar variation 2738503 (VCV002738503.3), dbSNP rs2475900899, ClinGen allele CA357632260.